The following is an entry in ClinVar:

ClinVar aggregate classification (germline): Likely benign. Review status: criteria provided, multiple submitters, no conflicts (2 of 4 stars). 2 submissions from 2 submitters: Likely benign (2). Last evaluated 2025-12-01.

Conditions:
Spastic paraplegia. Identifiers: MedGen C0037772, HP:0001258.

Allele frequency attached by ClinVar (database versions not stated): TOPMed 0.00001.
gnomAD v4.1: 5 of 1,211,177 alleles (0.00041%); highest among the groups gnomAD compares: Admixed American, 0.0087%; no homozygotes.

Submissions (2):

CeGaT Center for Human Genetics Tuebingen
Classification: Likely benign. Last evaluated: 2025-12-01. Review status: criteria provided, single submitter. Criteria: CeGaT Center For Human Genetics Tuebingen Variant Classification Criteria Version 2. Collection method: clinical testing. Allele origin: germline. Affected: yes. Observed: 1 variant allele.
Comment: KDM5C: BP4, BP7

Labcorp Genetics (formerly Invitae), Labcorp
Classification: Likely benign for Spastic paraplegia. Last evaluated: 2025-06-04. Review status: criteria provided, single submitter. Criteria: Invitae Variant Classification Sherloc (09022015). Collection method: clinical testing. Allele origin: germline.

NM_004187.5(KDM5C):c.3402G>A (p.Gly1134=)

Gene: KDM5C (lysine demethylase 5C; minus strand). Cytogenetic location: Xp11.22.
Variant type: single nucleotide variant.
Coding change: c.3402G>A on transcript NM_004187.5 (MANE Select); coding-DNA position 3402, G replaced by A.
Protein change: p.Gly1134=; no amino-acid change (glycine 1134 retained).
Molecular consequence: synonymous variant. On other transcripts: non-coding transcript variant (3).
Genome position (GRCh38, 1-based): chrX:53,194,967, C>T on the plus strand (G>A on the coding strand, the complement: KDM5C is on the minus strand). VCF-style: chrX-53194967-C-T. GRCh37 (hg19) VCF-style: chrX-53224149-C-T.
Other names: c.3201G>A, p.Gly1067= (NM_001146702.2); c.3399G>A, p.Gly1133= (NM_001282622.3, NM_001353979.2, NM_001353982.2); c.3402G>A, p.Gly1134= (NM_001353978.3, NM_001353981.2, NM_001353984.2).
Identifiers: ClinVar variation 1966435 (VCV001966435.10), dbSNP rs1556835381, ClinGen allele CA516420902.
Genomic context (GRCh38, chrX:53,194,967, plus strand): 5'-CCCATCTGTGTCGAAGCTCCTTACCACAGAGCCTGGGTCCCTGAGGTCCTGCGCAGACAG[C>T]CCCAGCAGCTCTGTGTCAGATTTGTACAACCCCAGCTCCTTCTCCATCCACCGGCTGCGC-3'
Protein context (NP_004178.2, residues 1124-1144): GLYKSDTELL[Gly1134=]LSAQDLRDPG